The following is an entry in ClinVar:

NM_006642.5(SDCCAG8):c.415T>C (p.Cys139Arg)

Gene: SDCCAG8 (SHH signaling and ciliogenesis regulator SDCCAG8; plus strand). Cytogenetic location: 1q43.
Variant type: single nucleotide variant.
Coding change: c.415T>C on transcript NM_006642.5 (MANE Select); coding-DNA position 415, T replaced by C.
Protein change: p.Cys139Arg; replaces cysteine 139 with arginine.
Molecular consequence: missense variant. On other transcripts: 5 prime UTR variant (3).
Genome position (GRCh38, 1-based): chr1:243,274,651, T>C. VCF-style: chr1-243274651-T-C. GRCh37 (hg19) VCF-style: chr1-243437953-T-C.
Other names: c.-698T>C (NM_001350246.2); c.-586T>C (NM_001350247.2); c.415T>C, p.Cys139Arg (NM_001350248.2); c.121T>C, p.Cys41Arg (NM_001350249.2); c.-959T>C (NM_001350251.2); short protein forms C139R, C41R.
Identifiers: ClinVar variation 1337588 (VCV001337588.8), dbSNP rs769333887, ClinGen allele CA1483295.
Genomic context (GRCh38, chr1:243,274,651, plus strand): 5'-GTTCATACTATTAATGACCAGTCTCAATATATTCATCATTTAGAGGCAGAAGTTAAGTTC[T>C]GCAAGGTAAGTTTCTCATTAAGAATTTAAAACTAAATAAATGAAAGCTTATATTAACTAT-3'
Protein context (NP_006633.1, residues 129-149): IHHLEAEVKF[Cys139Arg]KEELSGMKNK

ClinVar aggregate classification (germline): Uncertain significance. Review status: criteria provided, multiple submitters, no conflicts (2 of 4 stars). 4 submissions from 4 submitters: Uncertain significance (4). Last evaluated 2025-06-02.

Conditions:
Bardet-Biedl syndrome 16 (BBS16). Identifiers: Orphanet 110, MedGen C3889474, MONDO:0014444, OMIM 615993.
Senior-Loken syndrome 7 (SLSN7). Identifiers: Orphanet 3156, MedGen C3150877, MONDO:0013326, OMIM 613615.
SDCCAG8-related disorder. Also called: SDCCAG8-related condition; SDCCAG8-Related Disorders.
Inborn genetic diseases. Identifiers: MedGen C0950123, MeSH D030342.

Allele frequency attached by ClinVar (database versions not stated): ExAC 0.00001; gnomAD exomes 0.00001 and 0.00002; TOPMed 0.00003; gnomAD 0.00004.
gnomAD v4.1: 23 of 1,553,104 alleles (0.0015%); highest among the groups gnomAD compares: Admixed American, 0.0017%; no homozygotes.

Submissions (4):

PreventionGenetics, part of Exact Sciences
Classification: Uncertain significance for SDCCAG8-related condition. Last evaluated: 2025-06-02. Review status: criteria provided, single submitter. Criteria: ACMG Guidelines, 2015. Collection method: clinical testing. Allele origin: germline.
Comment: The SDCCAG8 c.415T>C variant is predicted to result in the amino acid substitution p.Cys139Arg. To our knowledge, this variant has not been reported in the literature. This variant is reported in 0.0097% of alleles in individuals of Ashkenazi Jewish descent in gnomAD. At this time, the clinical significance of this variant is uncertain due to the absence of conclusive functional and genetic evidence.

Ambry Genetics
Classification: Uncertain significance for Inborn genetic diseases. Last evaluated: 2022-12-16. Review status: criteria provided, single submitter. Criteria: Ambry Variant Classification Scheme 2023. Collection method: clinical testing. Allele origin: germline.

Fulgent Genetics
Classification: Uncertain significance for Senior-Loken syndrome 7; Bardet-Biedl syndrome 16. Last evaluated: 2022-02-17. Review status: criteria provided, single submitter. Criteria: ACMG Guidelines, 2015. Collection method: clinical testing. Allele origin: unknown.

Genetic Services Laboratory, University of Chicago
Classification: Uncertain significance. Last evaluated: 2020-04-30. Review status: criteria provided, single submitter. Criteria: ACMG Guidelines, 2015. Collection method: clinical testing. Allele origin: germline. Affected: no.
Comment: DNA sequence analysis of the SDCCAG8 gene demonstrated a sequence change, c.415T>C, in exon 4 that results in an amino acid change, p.Cys139Arg. This sequence change has been described in the gnomAD database with a low population frequency of 0.001770% (dbSNP rs769333887). The p.Cys139Arg change affects a highly conserved amino acid residue located in a domain of the SDCCAG8 protein that is not known to be functional. In-silico pathogenicity prediction tools (SIFT, PolyPhen2, Align GVGD, REVEL) provide contradictory results for the p.Cys139Arg substitution. This sequence change does not appear to have been previously described in patients with SDCCAG8-related disorders. Due to these contrasting evidences and the lack of sufficient evidences, the clinical significance of the p.Cys139Arg change remains unknown at this time.